The following is an entry in ClinVar:

NC_000012.12:g.21773321C>G

Genes: KCNJ8 (potassium inwardly rectifying channel subfamily J member 8; minus strand), KCNJ8-AS1 (KCNJ8 antisense RNA 1; plus strand). Cytogenetic location: 12p12.1.
Variant type: single nucleotide variant.
Genome position: GRCh38 VCF-style: chr12-21773321-C-G. GRCh37 (hg19) VCF-style: chr12-21926255-C-G.
Identifiers: ClinVar variation 2102827 (VCV002102827.4), dbSNP rs777762871, ClinGen allele CA6480715.

ClinVar aggregate classification (germline): Uncertain significance (1 of 4 stars; one submission).

Conditions:
Brugada syndrome. Also called: Sudden unexpected nocturnal death syndrome; Sudden unexplained nocturnal death syndrome; Sudden Unexplained Death Syndrome; Sudden Unexplained Nocturnal Death Syndrome (SUNDS). Identifiers: Orphanet 130, MedGen C1142166, MONDO:0015263.

Allele frequency attached by ClinVar (database versions not stated): gnomAD exomes below 0.00001; ExAC 0.00001.
gnomAD v4.1: 2 of 1,614,194 alleles (0.00012%); highest among the groups gnomAD compares: Non-Finnish European, 0.00017%; no homozygotes.

Submission:

Labcorp Genetics (formerly Invitae), Labcorp
Classification: Uncertain significance for Brugada syndrome. Last evaluated: 2022-02-24. Review status: criteria provided, single submitter. Criteria: Invitae Variant Classification Sherloc (09022015). Collection method: clinical testing. Allele origin: germline.
Comment: This variant is present in population databases (rs777762871, gnomAD 0.0009%). This sequence change replaces glycine, which is neutral and non-polar, with alanine, which is neutral and non-polar, at codon 99 of the KCNJ8 protein (p.Gly99Ala). In summary, the available evidence is currently insufficient to determine the role of this variant in disease. Therefore, it has been classified as a Variant of Uncertain Significance. Advanced modeling of protein sequence and biophysical properties (such as structural, functional, and spatial information, amino acid conservation, physicochemical variation, residue mobility, and thermodynamic stability) performed at Invitae indicates that this missense variant is expected to disrupt KCNJ8 protein function. This variant has not been reported in the literature in individuals affected with KCNJ8-related conditions.